The following is an entry in ClinVar:

NM_001105206.3(LAMA4):c.3056A>G (p.Tyr1019Cys)

Gene: LAMA4 (laminin subunit alpha 4; minus strand). Cytogenetic location: 6q21.
Variant type: single nucleotide variant.
Coding change: c.3056A>G on transcript NM_001105206.3 (MANE Select); coding-DNA position 3056, A replaced by G.
Protein change: p.Tyr1019Cys; replaces tyrosine 1019 with cysteine.
Molecular consequence: missense variant.
Genome position (GRCh38, 1-based): chr6:112,139,806, T>C on the plus strand (A>G on the coding strand, the complement: LAMA4 is on the minus strand). VCF-style: chr6-112139806-T-C. GRCh37 (hg19) VCF-style: chr6-112461008-T-C.
Other names: c.3035A>G, p.Tyr1012Cys (NM_001105207.3, NM_002290.5); short protein forms Y1012C, Y1019C.
Identifiers: ClinVar variation 2180508 (VCV002180508.4), dbSNP rs1443868685, ClinGen allele CA365379299.

ClinVar aggregate classification (germline): Uncertain significance (1 of 4 stars; one submission).

Conditions:
Dilated cardiomyopathy 1JJ (CMD1JJ). Identifiers: Orphanet 154, MedGen C3808935, MONDO:0014095, OMIM 615235.

Allele frequency attached by ClinVar (database versions not stated): TOPMed 0.00001.

Submission:

Labcorp Genetics (formerly Invitae), Labcorp
Classification: Uncertain significance for Dilated cardiomyopathy 1JJ. Last evaluated: 2022-07-22. Review status: criteria provided, single submitter. Criteria: Invitae Variant Classification Sherloc (09022015). Collection method: clinical testing. Allele origin: germline.
Comment: In summary, the available evidence is currently insufficient to determine the role of this variant in disease. Therefore, it has been classified as a Variant of Uncertain Significance. Algorithms developed to predict the effect of missense changes on protein structure and function (SIFT, PolyPhen-2, Align-GVGD) all suggest that this variant is likely to be disruptive. This variant has not been reported in the literature in individuals affected with LAMA4-related conditions. This variant is not present in population databases (gnomAD no frequency). This sequence change replaces tyrosine, which is neutral and polar, with cysteine, which is neutral and slightly polar, at codon 1012 of the LAMA4 protein (p.Tyr1012Cys).